The following is an entry in ClinVar:

ClinVar aggregate classification (germline): Likely benign. Review status: criteria provided, multiple submitters, no conflicts (2 of 4 stars). 2 submissions from 2 submitters: Likely benign (2). Last evaluated 2025-01-17.

Conditions:
Perlman syndrome (PRLMNS). Identifiers: Orphanet 2849, MedGen C0796113, MONDO:0009965, OMIM 267000.

Allele frequency attached by ClinVar (database versions not stated): gnomAD exomes below 0.00001 and 0.00001; ExAC 0.00001; gnomAD 0.00001; TOPMed 0.00001.
gnomAD v4.1: 7 of 1,612,776 alleles (0.00043%); highest among the groups gnomAD compares: Admixed American, 0.0033%; no homozygotes.

Submissions (2):

Labcorp Genetics (formerly Invitae), Labcorp
Classification: Likely benign for Perlman syndrome. Last evaluated: 2025-01-17. Review status: criteria provided, single submitter. Criteria: Invitae Variant Classification Sherloc (09022015). Collection method: clinical testing. Allele origin: germline.

CeGaT Center for Human Genetics Tuebingen
Classification: Likely benign. Last evaluated: 2022-04-01. Review status: criteria provided, single submitter. Criteria: CeGaT Center For Human Genetics Tuebingen Variant Classification Criteria Version 2. Collection method: clinical testing. Allele origin: germline. Affected: yes. Observed: 1 variant allele.
Comment: DIS3L2: BP4, BP7

NM_152383.5(DIS3L2):c.2079G>T (p.Val693=)

Gene: DIS3L2 (DIS3 like 3'-5' exoribonuclease 2; plus strand). Cytogenetic location: 2q37.1.
Variant type: single nucleotide variant.
Coding change: c.2079G>T on transcript NM_152383.5 (MANE Select); coding-DNA position 2079, G replaced by T.
Protein change: p.Val693=; no amino-acid change (valine 693 retained).
Molecular consequence: synonymous variant. On other transcripts: non-coding transcript variant (2), intron variant (1).
Genome position (GRCh38, 1-based): chr2:232,333,908, G>T. VCF-style: chr2-232333908-G-T. GRCh37 (hg19) VCF-style: chr2-233198618-G-T.
Other names: c.1582-9437G>T (NM_001257281.2).
Identifiers: ClinVar variation 531966 (VCV000531966.33), dbSNP rs772840869, ClinGen allele CA2164391.